The following is an entry in ClinVar:

ClinVar aggregate classification (germline): Uncertain significance (1 of 4 stars; one submission).

Conditions:
Epidermolysis bullosa simplex 3, localized or generalized intermediate, with BP230 deficiency (EBS3). Also called: Epidermolysis bullosa simplex due to BP230 deficiency; Epidermolysis bullosa simplex, autosomal recessive 2. Identifiers: Orphanet 412181, MedGen C3809470, MONDO:0014180, OMIM 615425.
Hereditary sensory and autonomic neuropathy type 6. Also called: HSAN VI; Neuropathy, hereditary sensory and autonomic, type VI. Identifiers: Orphanet 314381, MedGen C3539003, MONDO:0013839, OMIM 614653.

Allele frequency attached by ClinVar (database versions not stated): gnomAD 0.00001.
gnomAD v4.1: 1 of 1,613,480 alleles (0.000062%); highest among the groups gnomAD compares: African/African-American, 0.0013%; no homozygotes.

Submission:

Labcorp Genetics (formerly Invitae), Labcorp
Classification: Uncertain significance for Epidermolysis bullosa simplex 3, localized or generalized intermediate, with BP230 deficiency; Hereditary sensory and autonomic neuropathy type 6. Last evaluated: 2021-08-26. Review status: criteria provided, single submitter. Criteria: Invitae Variant Classification Sherloc (09022015). Collection method: clinical testing. Allele origin: germline.
Comment: This sequence change replaces arginine with threonine at codon 1279 of the DST protein (p.Arg1279Thr). The arginine residue is weakly conserved and there is a moderate physicochemical difference between arginine and threonine. This variant is not present in population databases (ExAC no frequency). This variant has not been reported in the literature in individuals affected with DST-related conditions. Algorithms developed to predict the effect of missense changes on protein structure and function (SIFT, PolyPhen-2, Align-GVGD) all suggest that this variant is likely to be tolerated. In summary, the available evidence is currently insufficient to determine the role of this variant in disease. Therefore, it has been classified as a Variant of Uncertain Significance.

NM_001723.7(DST):c.3836G>C (p.Arg1279Thr)

Gene: DST (dystonin; minus strand). Cytogenetic location: 6p12.1.
Variant type: single nucleotide variant.
Coding change: c.3836G>C on transcript NM_001723.7 (MANE Plus Clinical); coding-DNA position 3836, G replaced by C.
Protein change: p.Arg1279Thr; replaces arginine 1279 with threonine.
Molecular consequence: missense variant. On other transcripts: intron variant (10).
Genome position (GRCh38, 1-based): chr6:56,620,198, C>G on the plus strand (G>C on the coding strand, the complement: DST is on the minus strand). VCF-style: chr6-56620198-C-G. GRCh37 (hg19) VCF-style: chr6-56484996-C-G.
Other names: c.4830+4332G>C (NM_001144769.5); c.4929+4332G>C (NM_001374722.1, NM_001374736.1); c.4956+4332G>C (NM_001374734.1); c.4416+4332G>C (NM_001144770.2); c.4296+4332G>C (NM_001374730.1, NM_001386100.1, NM_183380.4 and 1 more transcripts); c.3318+4332G>C (NM_015548.5); short protein forms R1279T.
Identifiers: ClinVar variation 845156 (VCV000845156.9), dbSNP rs2098675583, ClinGen allele CA364571023.